The following is an entry in ClinVar:

NM_001875.5(CPS1):c.3756+3A>G

Gene: CPS1 (carbamoyl-phosphate synthase 1; plus strand). Cytogenetic location: 2q34.
Variant type: single nucleotide variant.
Coding change: c.3756+3A>G on transcript NM_001875.5 (MANE Select); 3 bases into the intron after coding-DNA position 3756, A replaced by G.
Molecular consequence: intron variant.
Genome position (GRCh38, 1-based): chr2:210,658,691, A>G. VCF-style: chr2-210658691-A-G. GRCh37 (hg19) VCF-style: chr2-211523415-A-G.
Other names: c.3756+3A>G (NM_001369257.1, NM_001122633.3); c.3789+3A>G (NM_001369256.1).
Identifiers: ClinVar variation 1432866 (VCV001432866.6), dbSNP rs777990487, ClinGen allele CA2087061.

ClinVar aggregate classification (germline): Uncertain significance (1 of 4 stars; one submission).

Conditions:
Congenital hyperammonemia, type I. Also called: Carbamoyl phosphate synthetase 1 deficiency; Hyperammonemia due to carbamoyl phosphate synthetase 1 deficiency; CPS 1 deficiency; Carbamyl phosphate synthetase (CPS) deficiency; Carbamoyl-phosphate synthase I deficiency; Carbamoyl phosphate synthetase I deficiency disease. Identifiers: Orphanet 147, MedGen C4082171, MONDO:0009376, OMIM 237300.

Allele frequency attached by ClinVar (database versions not stated): gnomAD exomes below 0.00001; ExAC 0.00001.

Submission:

Labcorp Genetics (formerly Invitae), Labcorp
Classification: Uncertain significance for Congenital hyperammonemia, type I. Last evaluated: 2023-07-17. Review status: criteria provided, single submitter. Criteria: Invitae Variant Classification Sherloc (09022015). Collection method: clinical testing. Allele origin: germline.
Comment: This variant has not been reported in the literature in individuals affected with CPS1-related conditions. In summary, the available evidence is currently insufficient to determine the role of this variant in disease. Therefore, it has been classified as a Variant of Uncertain Significance. Variants that disrupt the consensus splice site are a relatively common cause of aberrant splicing (PMID: 17576681, 9536098). Algorithms developed to predict the effect of sequence changes on RNA splicing suggest that this variant may create or strengthen a splice site. ClinVar contains an entry for this variant (Variation ID: 1432866). This variant is present in population databases (rs777990487, gnomAD 0.003%). This sequence change falls in intron 31 of the CPS1 gene. It does not directly change the encoded amino acid sequence of the CPS1 protein. It affects a nucleotide within the consensus splice site.

Literature cited by the submitters: PubMed 17576681; PubMed 9536098.